The following is an entry in ClinVar:

NM_001165963.4(SCN1A):c.2858T>C (p.Ile953Thr)

Gene: SCN1A (sodium voltage-gated channel alpha subunit 1; minus strand). Cytogenetic location: 2q24.3.
Variant type: single nucleotide variant.
Coding change: c.2858T>C on transcript NM_001165963.4 (MANE Select); coding-DNA position 2858, T replaced by C.
Protein change: p.Ile953Thr; replaces isoleucine 953 with threonine.
Molecular consequence: missense variant. On other transcripts: non-coding transcript variant (1).
Genome position (GRCh38, 1-based): chr2:166,037,864, A>G on the plus strand (T>C on the coding strand, the complement: SCN1A is on the minus strand). VCF-style: chr2-166037864-A-G. GRCh37 (hg19) VCF-style: chr2-166894374-A-G.
Other names: c.2774T>C, p.Ile925Thr (NM_001165964.3, NM_001353957.2, NM_001353958.2); c.2858T>C, p.Ile953Thr (NM_001202435.3, NM_001353948.2); c.2825T>C, p.Ile942Thr (NM_001353949.2, NM_001353950.2, NM_001353951.2 and 2 more transcripts); c.2822T>C, p.Ile941Thr (NM_001353954.2, NM_001353955.2); c.2771T>C, p.Ile924Thr (NM_001353960.2); c.416T>C, p.Ile139Thr (NM_001353961.2); c.2858T>C (NM_001165963.1); short protein forms I139T, I924T, I925T, I941T, I942T, I953T.
Identifiers: ClinVar variation 1004203 (VCV001004203.10), dbSNP rs1696621654, ClinGen allele CA349061130.

ClinVar aggregate classification (germline): Conflicting classifications of pathogenicity. Review status: criteria provided, conflicting classifications (1 of 4 stars). 2 submissions from 2 submitters: Likely pathogenic (1); Uncertain significance (1). Last evaluated 2025-08-29.

Conditions:
Early-infantile DEE. Also called: Early infantile epileptic encephalopathy with suppression bursts; Ohtahara syndrome; Early infantile epileptic encephalopathy. Identifiers: Orphanet 1934, MedGen C0393706, MONDO:0800491.

Submissions (2):

Labcorp Genetics (formerly Invitae), Labcorp
Classification: Uncertain significance for Early-infantile DEE. Last evaluated: 2025-08-29. Review status: criteria provided, single submitter. Criteria: Invitae Variant Classification Sherloc (09022015). Collection method: clinical testing. Allele origin: germline.
Comment: This sequence change replaces isoleucine, which is neutral and non-polar, with threonine, which is neutral and polar, at codon 953 of the SCN1A protein (p.Ile953Thr). This variant is not present in population databases (gnomAD no frequency). This variant has not been reported in the literature in individuals affected with SCN1A-related conditions. ClinVar contains an entry for this variant (Variation ID: 1004203). Invitae Evidence Modeling of protein sequence and biophysical properties (such as structural, functional, and spatial information, amino acid conservation, physicochemical variation, residue mobility, and thermodynamic stability) indicates that this missense variant is expected to disrupt SCN1A protein function with a positive predictive value of 95%. In summary, the available evidence is currently insufficient to determine the role of this variant in disease. Therefore, it has been classified as a Variant of Uncertain Significance.

GeneDx
Classification: Likely pathogenic. Last evaluated: 2025-01-31. Review status: criteria provided, single submitter. Criteria: GeneDx Variant Classification Process June 2021. Collection method: clinical testing. Allele origin: germline. Affected: yes.
Comment: Not observed at significant frequency in large population cohorts (gnomAD); In silico analysis supports that this missense variant has a deleterious effect on protein structure/function; Has not been previously published as pathogenic or benign to our knowledge; This substitution is predicted to be within the pore forming loop between the S5 and S6 transmembrane segments of the second homologous domain